The following is an entry in ClinVar:

ClinVar aggregate classification (germline): Uncertain significance (1 of 4 stars; one submission).

Allele frequency attached by ClinVar (database versions not stated): gnomAD exomes 0.00001; ExAC 0.00003; gnomAD 0.00003; TOPMed 0.00004.
gnomAD v4.1: 18 of 1,613,956 alleles (0.0011%); highest among the groups gnomAD compares: African/African-American, 0.012%; no homozygotes.

Submission:

Mayo Clinic Laboratories, Mayo Clinic
Classification: Uncertain significance. Last evaluated: 2022-08-04. Review status: criteria provided, single submitter. Criteria: ACMG Guidelines, 2015. Collection method: clinical testing. Allele origin: germline. Observed: 1 variant allele.
Comment: BP4, PM2

NM_005881.4(BCKDK):c.1072G>A (p.Ala358Thr)

Gene: BCKDK (branched chain keto acid dehydrogenase kinase; plus strand). Cytogenetic location: 16p11.2.
Variant type: single nucleotide variant.
Coding change: c.1072G>A on transcript NM_005881.4 (MANE Select); coding-DNA position 1072, G replaced by A.
Protein change: p.Ala358Thr; replaces alanine 358 with threonine.
Molecular consequence: missense variant.
Genome position (GRCh38, 1-based): chr16:31,112,005, G>A. VCF-style: chr16-31112005-G-A. GRCh37 (hg19) VCF-style: chr16-31123326-G-A.
Other names: p.Ala358Thr; c.1072G>A, p.Ala358Thr (NM_001122957.4); c.982G>A, p.Ala328Thr (NM_001271926.3); short protein forms A328T, A358T.
Identifiers: ClinVar variation 2683359 (VCV002683359.1), dbSNP rs755584594, ClinGen allele CA8021764.